The following is an entry in ClinVar:

NC_012920.1(MT-ND1):m.3700G>A

Gene: MT-ND1 (mitochondrially encoded NADH dehydrogenase 1; plus strand).
Variant type: single nucleotide variant.
Genome position: chrM-3700-G-A.
Identifiers: ClinVar variation 65519 (VCV000065519.5), dbSNP rs397515508, ClinGen allele CA344828.
Genomic context (GRCh38, chrMT:3,700, plus strand): 5'-GCCGTTTACTCAATCCTCTGATCAGGGTGAGCATCAAACTCAAACTACGCCCTGATCGGC[G>A]CACTGCGAGCAGTAGCCCAAACAATCTCATATGAAGTCACCCTAGCCATCATTCTACTAT-3'

ClinVar aggregate classification (germline): Uncertain significance. Review status: reviewed by expert panel (3 of 4 stars). 3 submissions from 3 submitters: Uncertain significance (1). 2 of the submissions do not count toward it. Last evaluated 2022-03-24.

Conditions:
Mitochondrial disease. Also called: Mitochondrial disorder; Mitochondrial disorders. Identifiers: Orphanet 68380, MedGen C0751651, MeSH D028361, MONDO:0044970.
Leber optic atrophy (LHON). Also called: Leber's disease; Leber's optic atrophy; Leber hereditary optic neuropathy; Optic Atrophy, Hereditary, Leber. Identifiers: Orphanet 104, MedGen C0917796, MONDO:0010788, OMIM 535000, HP:0001112.
Visual loss. Also called: Abnormal vision. Identifiers: MedGen C3665386, HP:0000572.
Optic neuropathy. Also called: Optic nerve disorder. Identifiers: MedGen C3887709, MONDO:0002135, HP:0001138.
Abnormal electroretinogram. Identifiers: MedGen C0476397, HP:0000512.

Submissions (3):

ClinGen Mitochondrial Disease Nuclear and Mitochondrial  Variant Curation Expert Panel, ClinGen
Classification: Uncertain significance for Mitochondrial disease. Last evaluated: 2022-03-24. Review status: reviewed by expert panel. Criteria: clingen mito disease acmg specifications v1-1. Collection method: curation. Allele origin: germline. Inheritance: Mitochondrial inheritance.
Comment: The m.3700G>A (p.A132T) variant in MT-ND1 has been reported in 3 individuals with primary mitochondrial disease who had features consistent with Leigh syndrome (1/3) and LHON (2/3; PS4_supporting; PMIDs: 30128709, 22879922, 12150954). There are no reports of de novo occurrences of this variant. There are no reports of testing in family members to date to consider for segregation. There are 3 occurrences of this variant in GenBank dataset, however 2/3 are from individuals with known mitochondrial disease. This variant is absent in gnomAD v3.1.2 and in Helix dataset therefore this variant is present at <1/50,000 healthy individuals (PM2_supporting). There are no functional studies reported. The computational predictor APOGEE gives a consensus rating of pathogenic with a score of 0.53 (Min=0, Max=1), which predicts a damaging effect on gene function (PP3). In summary, this variant meets criteria to be classified as uncertain significance for primary mitochondrial disease inherited in a mitochondrial manner. This classification was approved by the NICHD/NINDS U24 Mitochondrial Disease Variant Curation Expert Panel on March 22, 2022. Mitochondrial DNA-specific ACMG/AMP criteria applied: PS4_supporting, PM2_supporting, PP3.

Centre for Mendelian Genomics, University Medical Centre Ljubljana
Classification: Pathogenic for Abnormal electroretinogram; Optic neuropathy; Visual loss. Last evaluated: 2016-03-21. Review status: no assertion criteria provided. Collection method: clinical testing. Allele origin: unknown. Affected: yes. Not counted in ClinVar's aggregate classification.

GeneReviews
No classification provided. Condition: Leber optic atrophy. Review status: no classification provided. Collection method: literature only. Allele origin: maternal. Not counted in ClinVar's aggregate classification.
Comment: This mitochondrial DNA variant affects function. It hase been identified in at least two independent LHON pedigrees and segregates with affected disease status.

Literature cited by the submitters: PubMed 30143805 (cited by GeneReviews); PubMed 20301353 (cited by GeneReviews).